The following is an entry in ClinVar:

NM_001377.3(DYNC2H1):c.4580G>A (p.Gly1527Asp)

Gene: DYNC2H1 (dynein cytoplasmic 2 heavy chain 1; plus strand). Cytogenetic location: 11q22.3.
Variant type: single nucleotide variant.
Coding change: c.4580G>A on transcript NM_001377.3 (MANE Select); coding-DNA position 4580, G replaced by A.
Protein change: p.Gly1527Asp; replaces glycine 1527 with aspartic acid.
Molecular consequence: missense variant.
Genome position (GRCh38, 1-based): chr11:103,163,116, G>A. VCF-style: chr11-103163116-G-A. GRCh37 (hg19) VCF-style: chr11-103033845-G-A.
Other names: c.4580G>A, p.Gly1527Asp (NM_001080463.2); short protein forms G1527D.
Identifiers: ClinVar variation 3506069 (VCV003506069.2).
Genomic context (GRCh38, chr11:103,163,116, plus strand): 5'-TGAAGAAAACTTTGGAACAGTTGTTGAAGGAATGTGTTACTACTGGGCGAAGTTCTCAAG[G>A]TGCAGTTGACCCATCTCTGTTCCCTTCACAGGTAAGGGGGCTTACGTGTAGAAGCTACAT-3'
Protein context (NP_001368.2, residues 1517-1537): ECVTTGRSSQ[Gly1527Asp]AVDPSLFPSQ

ClinVar aggregate classification (germline): Uncertain significance. Review status: criteria provided, multiple submitters, no conflicts (2 of 4 stars). 2 submissions from 2 submitters: Uncertain significance (2). Last evaluated 2025-08-17.

Conditions:
Jeune thoracic dystrophy. Also called: Jeune syndrome; Infantile thoracic dystrophy; Thoracic pelvic phalangeal dystrophy; Jeune's syndrome; Chondroectodermal dysplasia-like syndrome; Short-rib thoracic dysplasia. Identifiers: Orphanet 474, MedGen C0265275, MONDO:0018770.
Inborn genetic diseases. Identifiers: MedGen C0950123, MeSH D030342.

gnomAD v4.1: 4 of 1,612,878 alleles (0.00025%); highest among the groups gnomAD compares: Non-Finnish European, 0.00034%; no homozygotes.

Submissions (2):

Labcorp Genetics (formerly Invitae), Labcorp
Classification: Uncertain significance for Jeune thoracic dystrophy. Last evaluated: 2025-08-17. Review status: criteria provided, single submitter. Criteria: Invitae Variant Classification Sherloc (09022015). Collection method: clinical testing. Allele origin: germline.
Comment: This sequence change replaces glycine, which is neutral and non-polar, with aspartic acid, which is acidic and polar, at codon 1527 of the DYNC2H1 protein (p.Gly1527Asp). This variant is present in population databases (no rsID available, gnomAD 0.0009%). This variant has not been reported in the literature in individuals affected with DYNC2H1-related conditions. ClinVar contains an entry for this variant (Variation ID: 3506069). Invitae Evidence Modeling of protein sequence and biophysical properties (such as structural, functional, and spatial information, amino acid conservation, physicochemical variation, residue mobility, and thermodynamic stability) has been performed for this missense variant. However, the output from this modeling did not meet the statistical confidence thresholds required to predict the impact of this variant on DYNC2H1 protein function. In summary, the available evidence is currently insufficient to determine the role of this variant in disease. Therefore, it has been classified as a Variant of Uncertain Significance.

Ambry Genetics
Classification: Uncertain significance for Inborn genetic diseases. Last evaluated: 2024-09-10. Review status: criteria provided, single submitter. Criteria: Ambry Variant Classification Scheme 2023. Collection method: clinical testing. Allele origin: germline.